The following is an entry in ClinVar:

ClinVar aggregate classification (germline): Uncertain significance (1 of 4 stars; one submission).

Conditions:
Epilepsy, idiopathic generalized, susceptibility to, 15 (EIG15). Identifiers: MedGen C5193050, MONDO:0032699, OMIM 618357.

Submission:

3billion
Classification: Uncertain significance for Epilepsy, idiopathic generalized, susceptibility to, 15. Last evaluated: 2026-01-15. Review status: criteria provided, single submitter. Criteria: ACMG Guidelines, 2015. Collection method: clinical testing. Allele origin: germline. Affected: yes.
Comment: The variant is not observed in the gnomAD v4.1.0 dataset. Predicted Consequence/Location: Missense variant. The majority of the known disease-causing variants of this gene are variants expected to result in premature termination of the protein. In silico tools predict the variant to alter splicing and produce an abnormal transcript [SpliceAI: 0.77 (>=0.2, moderate evidence for spliceogenicity)]. Therefore, this variant is classified as VUS according to the recommendation of ACMG/AMP guideline.

NM_006914.4(RORB):c.433C>T (p.His145Tyr)

Gene: RORB (RAR related orphan receptor B; plus strand). Cytogenetic location: 9q21.13.
Variant type: single nucleotide variant.
Coding change: c.433C>T on transcript NM_006914.4 (MANE Select); coding-DNA position 433, C replaced by T.
Protein change: p.His145Tyr; replaces histidine 145 with tyrosine.
Molecular consequence: missense variant.
Genome position (GRCh38, 1-based): chr9:74,642,611, C>T. VCF-style: chr9-74642611-C-T. GRCh37 (hg19) VCF-style: chr9-77257527-C-T.
Other names: c.466C>T, p.His156Tyr (NM_001365023.1); short protein forms H145Y, H156Y.
Identifiers: ClinVar variation 4855426 (VCV004855426.1).
Genomic context (GRCh38, chr9:74,642,611, plus strand): 5'-AGCATTAGCAACGGCCTGAGCAACCTGAACAACGAGACCAGCGGCACTTATGCCAACGGG[C>T]ACGTCATTGACCTGCCCAAGTCTGAGGGTTATTACAACGTCGATTCCGGTCAGCCGTCCC-3'
Protein context (NP_008845.2, residues 135-155): NETSGTYANG[His145Tyr]VIDLPKSEGY